The following is an entry in ClinVar:

NM_001130438.3(SPTAN1):c.1572A>G (p.Thr524=)

Gene: SPTAN1 (spectrin alpha, non-erythrocytic 1; plus strand). Cytogenetic location: 9q34.11.
Variant type: single nucleotide variant.
Coding change: c.1572A>G on transcript NM_001130438.3 (MANE Select); coding-DNA position 1572, A replaced by G.
Protein change: p.Thr524=; no amino-acid change (threonine 524 retained).
Molecular consequence: synonymous variant.
Genome position (GRCh38, 1-based): chr9:128,581,892, A>G. VCF-style: chr9-128581892-A-G. GRCh37 (hg19) VCF-style: chr9-131344171-A-G.
Other names: c.1572A>G, p.Thr524= (NM_001195532.2, NM_001363759.2, NM_001363765.2 and 5 more transcripts); c.1608A>G, p.Thr536= (NM_001375312.2, NM_001375318.1).
Identifiers: ClinVar variation 3604240 (VCV003604240.2).

ClinVar aggregate classification (germline): Uncertain significance (1 of 4 stars; one submission).

Conditions:
Early-infantile DEE. Also called: Early infantile epileptic encephalopathy; Ohtahara syndrome; Early infantile epileptic encephalopathy with suppression bursts. Identifiers: Orphanet 1934, MedGen C0393706, MONDO:0800491.

gnomAD v4.1: 1 of 1,602,714 alleles (0.000062%); highest among the groups gnomAD compares: Non-Finnish European, 0.000085%; no homozygotes.

Submission:

Labcorp Genetics (formerly Invitae), Labcorp
Classification: Uncertain significance for Early-infantile DEE. Last evaluated: 2024-07-22. Review status: criteria provided, single submitter. Criteria: Invitae Variant Classification Sherloc (09022015). Collection method: clinical testing. Allele origin: germline.
Comment: This sequence change affects codon 524 of the SPTAN1 mRNA. It is a 'silent' change, meaning that it does not change the encoded amino acid sequence of the SPTAN1 protein. It affects a nucleotide within the consensus splice site. This variant is present in population databases (rs767610692, gnomAD 0.0009%). This variant has not been reported in the literature in individuals affected with SPTAN1-related conditions. Algorithms developed to predict the effect of sequence changes on RNA splicing suggest that this variant is not likely to affect RNA splicing. In summary, the available evidence is currently insufficient to determine the role of this variant in disease. Therefore, it has been classified as a Variant of Uncertain Significance.